The following is an entry in ClinVar:

ClinVar aggregate classification (germline): Uncertain significance (1 of 4 stars; one submission).

Conditions:
Familial cold autoinflammatory syndrome 3 (FCAS3). Also called: FAMILIAL ATYPICAL COLD URTICARIA; ANTIBODY DEFICIENCY AND IMMUNE DYSREGULATION, PLCG2-ASSOCIATED. Identifiers: Orphanet 300359, MedGen C3280914, MONDO:0013766, OMIM 614468.

Allele frequency attached by ClinVar (database versions not stated): ExAC 0.00001; gnomAD 0.00001 and 0.00002; TOPMed 0.00002; ESP Exome Variant Server 0.00008.
gnomAD v4.1: 2 of 1,612,842 alleles (0.00012%); highest among the groups gnomAD compares: African/African-American, 0.0027%; no homozygotes.

Submission:

Labcorp Genetics (formerly Invitae), Labcorp
Classification: Uncertain significance for Familial cold autoinflammatory syndrome 3. Last evaluated: 2019-05-29. Review status: criteria provided, single submitter. Criteria: Invitae Variant Classification Sherloc (09022015). Collection method: clinical testing. Allele origin: germline.
Comment: In summary, the available evidence is currently insufficient to determine the role of this variant in disease. Therefore, it has been classified as a Variant of Uncertain Significance. Algorithms developed to predict the effect of missense changes on protein structure and function (SIFT, PolyPhen-2, Align-GVGD) all suggest that this variant is likely to be tolerated, but these predictions have not been confirmed by published functional studies and their clinical significance is uncertain. This variant has not been reported in the literature in individuals with PLCG2-related conditions. This variant is present in population databases (rs374430619, ExAC 0.01%). This sequence change replaces lysine with asparagine at codon 1262 of the PLCG2 protein (p.Lys1262Asn). The lysine residue is weakly conserved and there is a moderate physicochemical difference between lysine and asparagine.

NM_002661.5(PLCG2):c.3786G>C (p.Lys1262Asn)

Gene: PLCG2 (phospholipase C gamma 2; plus strand). Cytogenetic location: 16q23.3.
Variant type: single nucleotide variant.
Coding change: c.3786G>C on transcript NM_002661.5 (MANE Select); coding-DNA position 3786, G replaced by C.
Protein change: p.Lys1262Asn; replaces lysine 1262 with asparagine.
Molecular consequence: missense variant.
Genome position (GRCh38, 1-based): chr16:81,957,986, G>C. VCF-style: chr16-81957986-G-C. GRCh37 (hg19) VCF-style: chr16-81991591-G-C.
Other names: short protein forms K1262N.
Identifiers: ClinVar variation 941810 (VCV000941810.9), dbSNP rs374430619, ClinGen allele CA8194857.